The following is an entry in ClinVar:

ClinVar aggregate classification (germline): Likely benign. Review status: criteria provided, multiple submitters, no conflicts (2 of 4 stars). 5 submissions from 5 submitters: Likely benign (5). Last evaluated 2025-12-01.

Conditions:
Cardiovascular phenotype. Identifiers: MedGen CN230736.
Arrhythmogenic right ventricular cardiomyopathy (ARVD). Also called: Arrhythmogenic cardiomyopathy; Arrhythmogenic Right Ventricular Cardiomyopathy (ARVC); Cardiomyopathy, ARVC; Arrhythmogenic right ventricular dysplasia. Identifiers: Orphanet 247, MedGen C0349788, MeSH D019571, MONDO:0016587. Disease mechanism: loss of function. Inheritance: Various modes of inheritance.
Cardiomyopathy (CMYO). Also called: Cardiomyopathies. Identifiers: Orphanet 167848, MedGen C0878544, MONDO:0004994, HP:0001638. Inheritance: Various modes of inheritance.
Arrhythmogenic right ventricular dysplasia 10. Also called: Arrhythmogenic right ventricular dysplasia/cardiomyopathy, type 10; Arrhythmogenic Right Ventricular Dysplasia/Cardiomyopathy10; ARRHYTHMOGENIC RIGHT VENTRICULAR DYSPLASIA, FAMILIAL, 10. Identifiers: MedGen C1857777, MONDO:0012434, OMIM 610193.

Allele frequency attached by ClinVar (database versions not stated): TOPMed 0.00004; gnomAD 0.00005; ExAC 0.00001; gnomAD exomes 0.00001.
gnomAD v4.1: 24 of 1,614,048 alleles (0.0015%); highest among the groups gnomAD compares: African/African-American, 0.016%; no homozygotes.

Submissions (5):

Labcorp Genetics (formerly Invitae), Labcorp
Classification: Likely benign for Arrhythmogenic right ventricular dysplasia 10. Last evaluated: 2025-12-01. Review status: criteria provided, single submitter. Criteria: Invitae Variant Classification Sherloc (09022015). Collection method: clinical testing. Allele origin: germline.

All of Us Research Program, National Institutes of Health
Classification: Likely benign for Arrhythmogenic right ventricular cardiomyopathy. Last evaluated: 2024-02-05. Review status: criteria provided, single submitter. Criteria: ACMG Guidelines, 2015. Collection method: clinical testing. Allele origin: germline. Inheritance: Autosomal dominant inheritance. Observed: 2 variant alleles, 2 heterozygotes.
Comment: This study involves interpretation of variants in research participants for the purpose of population health screening. Participant phenotype was not available at the time of variant classification. Additional details can be found in publication PMID: 35346344, PMCID: PMC8962531

GeneDx
Classification: Likely benign. Last evaluated: 2021-04-06. Review status: criteria provided, single submitter. Criteria: GeneDx Variant Classification Process June 2021. Collection method: clinical testing. Allele origin: germline. Affected: yes.

Color Diagnostics, LLC DBA Color Health
Classification: Likely benign for Cardiomyopathy. Last evaluated: 2018-11-27. Review status: criteria provided, single submitter. Criteria: ACMG Guidelines, 2015. Collection method: clinical testing. Allele origin: germline.

Ambry Genetics
Classification: Likely benign for Cardiovascular phenotype. Last evaluated: 2016-07-13. Review status: criteria provided, single submitter. Criteria: Ambry Variant Classification Scheme 2023. Collection method: clinical testing. Allele origin: germline.

NM_001943.5(DSG2):c.165C>T (p.Pro55=)

Gene: DSG2 (desmoglein 2; plus strand). Cytogenetic location: 18q12.1.
Variant type: single nucleotide variant.
Coding change: c.165C>T on transcript NM_001943.5 (MANE Select); coding-DNA position 165, C replaced by T.
Protein change: p.Pro55=; no amino-acid change (proline 55 retained).
Molecular consequence: synonymous variant.
Genome position (GRCh38, 1-based): chr18:31,519,886, C>T. VCF-style: chr18-31519886-C-T. GRCh37 (hg19) VCF-style: chr18-29099849-C-T.
Other names: c.165C>T (LRG_397t1).
Identifiers: ClinVar variation 518924 (VCV000518924.18), dbSNP rs780650457, ClinGen allele CA043407.